The following is an entry in ClinVar:

NM_020922.5(WNK3):c.2867A>T (p.Gln956Leu)

Gene: WNK3 (WNK lysine deficient protein kinase 3; minus strand). Cytogenetic location: Xp11.22.
Variant type: single nucleotide variant.
Coding change: c.2867A>T on transcript NM_020922.5 (MANE Select); coding-DNA position 2867, A replaced by T.
Protein change: p.Gln956Leu; replaces glutamine 956 with leucine.
Molecular consequence: missense variant.
Genome position (GRCh38, 1-based): chrX:54,249,481, T>A on the plus strand (A>T on the coding strand, the complement: WNK3 is on the minus strand). VCF-style: chrX-54249481-T-A. GRCh37 (hg19) VCF-style: chrX-54275914-T-A.
Other names: c.2867A>T, p.Gln956Leu (NM_001002838.4, NM_001395166.1); short protein forms Q956L.
Identifiers: ClinVar variation 3817298 (VCV003817298.2).
Genomic context (GRCh38, chrX:54,249,481, plus strand): 5'-CTATTAGTAACTGGTGCCATTATCTGCCTGTTATCTTCCACTTGATAAAGTATAGCTGGC[T>A]GCTTGGTTTCTACACTAGCACATTCAGAAATCTTACCATCAACCACATCCTTGTGTTCTG-3'
Protein context (NP_065973.2, residues 946-966): ISECASVETK[Gln956Leu]PAILYQVEDN

ClinVar aggregate classification (germline): Uncertain significance. Review status: criteria provided, multiple submitters, no conflicts (2 of 4 stars). 2 submissions from 2 submitters: Uncertain significance (2). Last evaluated 2025-10-14.

gnomAD v4.1: 5 of 1,210,099 alleles (0.00041%); highest among the groups gnomAD compares: African/African-American, 0.007%; no homozygotes.

Submissions (2):

Women's Health and Genetics/Laboratory Corporation of America, LabCorp
Classification: Uncertain significance. Last evaluated: 2025-10-14. Review status: criteria provided, single submitter. Criteria: LabCorp Variant Classification Summary - May 2015. Collection method: clinical testing. Allele origin: germline.
Comment: Variant summary: WNK3 c.2867A>T (p.Gln956Leu) results in a non-conservative amino acid change in the encoded protein sequence. Algorithms developed to predict the effect of missense changes on protein structure and function are either unavailable or do not agree on the potential impact of this missense change. The variant was absent in 183293 control chromosomes. The available data on variant occurrences in the general population are insufficient to allow any conclusion about variant significance. To our knowledge, no occurrence of c.2867A>T in individuals affected with WNK3-related conditions and no experimental evidence demonstrating its impact on protein function have been reported. ClinVar contains an entry for this variant (Variation ID: 3817298). Based on the evidence outlined above, the variant was classified as uncertain significance.

Ambry Genetics
Classification: Uncertain significance. Last evaluated: 2025-01-22. Review status: criteria provided, single submitter. Criteria: Ambry Variant Classification Scheme 2023. Collection method: clinical testing. Allele origin: germline.